The following is an entry in ClinVar:

NM_153240.5(NPHP3):c.2263A>G (p.Ile755Val)

Genes: NPHP3 (nephrocystin 3; minus strand), NPHP3-ACAD11 (NPHP3-ACAD11 readthrough (NMD candidate); minus strand). Cytogenetic location: 3q22.1.
Variant type: single nucleotide variant.
Coding change: c.2263A>G on transcript NM_153240.5 (MANE Select); coding-DNA position 2263, A replaced by G.
Protein change: p.Ile755Val; replaces isoleucine 755 with valine.
Molecular consequence: missense variant. On other transcripts: non-coding transcript variant (1).
Genome position (GRCh38, 1-based): chr3:132,694,874, T>C on the plus strand (A>G on the coding strand, the complement: NPHP3 is on the minus strand). VCF-style: chr3-132694874-T-C. GRCh37 (hg19) VCF-style: chr3-132413718-T-C.
Other names: short protein forms I755V.
Identifiers: ClinVar variation 1404988 (VCV001404988.9), dbSNP rs772613405, ClinGen allele CA354581717.
Genomic context (GRCh38, chr3:132,694,874, plus strand): 5'-TATTACATTCTACCTGCTTCATTAGCTCTTTATCCACATCATTTGCCATGGACTCCCGGA[T>C]AGAGTGCAGAACAAGTCTATATAATGAAAGAGTATCTTGACACTGGAAACACTGATGAAG-3'
Protein context (NP_694972.3, residues 745-765): LSLYRLVLHS[Ile755Val]RESMANDVDK

ClinVar aggregate classification (germline): Uncertain significance. Review status: criteria provided, multiple submitters, no conflicts (2 of 4 stars). 2 submissions from 2 submitters: Uncertain significance (2). Last evaluated 2023-08-04.

Conditions:
Nephronophthisis. Also called: Juvenile Nephronophthisis. Identifiers: Orphanet 655, MedGen C0687120, MONDO:0019005, HP:0000090.
Renal-hepatic-pancreatic dysplasia 1 (RHPD1). Identifiers: MedGen C3715199, MONDO:0008833, OMIM 208540.
NPHP3-related Meckel-like syndrome. Also called: GOLDSTON SYNDROME; Meckel syndrome type 7. Identifiers: Orphanet 3032, MedGen C2673885, MONDO:0009966, OMIM 267010.
Nephronophthisis 3 (NPHP3). Also called: Adolescent nephronophthisis. Identifiers: Orphanet 655, MedGen C1858392, MONDO:0011456, OMIM 604387.

gnomAD v4.1: 5 of 1,613,682 alleles (0.00031%); highest among the groups gnomAD compares: East Asian, 0.0045%; no homozygotes.

Submissions (2):

Labcorp Genetics (formerly Invitae), Labcorp
Classification: Uncertain significance for Nephronophthisis. Last evaluated: 2023-08-04. Review status: criteria provided, single submitter. Criteria: Invitae Variant Classification Sherloc (09022015). Collection method: clinical testing. Allele origin: germline.
Comment: In summary, the available evidence is currently insufficient to determine the role of this variant in disease. Therefore, it has been classified as a Variant of Uncertain Significance. Advanced modeling of protein sequence and biophysical properties (such as structural, functional, and spatial information, amino acid conservation, physicochemical variation, residue mobility, and thermodynamic stability) performed at Invitae indicates that this missense variant is not expected to disrupt NPHP3 protein function. ClinVar contains an entry for this variant (Variation ID: 1404988). This variant has not been reported in the literature in individuals affected with NPHP3-related conditions. This variant is not present in population databases (gnomAD no frequency). This sequence change replaces isoleucine, which is neutral and non-polar, with valine, which is neutral and non-polar, at codon 755 of the NPHP3 protein (p.Ile755Val).

Fulgent Genetics
Classification: Uncertain significance for Renal-hepatic-pancreatic dysplasia 1; NPHP3-related Meckel-like syndrome; Nephronophthisis 3. Last evaluated: 2021-11-15. Review status: criteria provided, single submitter. Criteria: ACMG Guidelines, 2015. Collection method: clinical testing. Allele origin: unknown.